The following is an entry in ClinVar:

ClinVar aggregate classification (germline): Uncertain significance (1 of 4 stars; one submission).

Conditions:
Brachyolmia-amelogenesis imperfecta syndrome. Also called: PLATYSPONDYLY WITH AMELOGENESIS IMPERFECTA; Tooth agenesis, selective, 6; Dental anomalies and short stature. Identifiers: Orphanet 2899, MedGen C1832594, MONDO:0011018, OMIM 601216. Disease mechanism: loss of function.

gnomAD v4.1: 1 of 1,501,098 alleles (0.000067%); highest among the groups gnomAD compares: Non-Finnish European, 0.000089%; no homozygotes.

Submission:

Labcorp Genetics (formerly Invitae), Labcorp
Classification: Uncertain significance for Brachyolmia-amelogenesis imperfecta syndrome. Last evaluated: 2023-07-16. Review status: criteria provided, single submitter. Criteria: Invitae Variant Classification Sherloc (09022015). Collection method: clinical testing. Allele origin: germline.
Comment: In summary, the available evidence is currently insufficient to determine the role of this variant in disease. Therefore, it has been classified as a Variant of Uncertain Significance. An algorithm developed to predict the effect of missense changes on protein structure and function (PolyPhen-2) suggests that this variant is likely to be disruptive. This variant has not been reported in the literature in individuals affected with LTBP3-related conditions. This variant is not present in population databases (gnomAD no frequency). This sequence change replaces serine, which is neutral and polar, with phenylalanine, which is neutral and non-polar, at codon 1279 of the LTBP3 protein (p.Ser1279Phe).

NM_001130144.3(LTBP3):c.3836C>T (p.Ser1279Phe)

Gene: LTBP3 (latent transforming growth factor beta binding protein 3; minus strand). Cytogenetic location: 11q13.1.
Variant type: single nucleotide variant.
Coding change: c.3836C>T on transcript NM_001130144.3 (MANE Select); coding-DNA position 3836, C replaced by T.
Protein change: p.Ser1279Phe; replaces serine 1279 with phenylalanine.
Molecular consequence: missense variant.
Genome position (GRCh38, 1-based): chr11:65,539,156, G>A on the plus strand (C>T on the coding strand, the complement: LTBP3 is on the minus strand). VCF-style: chr11-65539156-G-A. GRCh37 (hg19) VCF-style: chr11-65306627-G-A.
Other names: c.3344C>T, p.Ser1115Phe (NM_001164266.1); c.3695C>T, p.Ser1232Phe (NM_021070.4); short protein forms S1279F, S1115F, S1232F.
Identifiers: ClinVar variation 2955678 (VCV002955678.3), dbSNP rs1234778594, ClinGen allele CA381265905.
Genomic context (GRCh38, chr11:65,539,156, plus strand): 5'-GGAACGCAGGCCCCGTGCGGGCGGCTGCGCGCGAAGCCGGCTTTGCAGACGCAGCGGAAG[G>A]AGCCGCTGGTGTTCACGCAGCGCTCGCTCTTGCACAGCAGCCCGCGCTGGTTCAGCTCTC-3'
Protein context (NP_001123616.1, residues 1269-1289): KSERCVNTSG[Ser1279Phe]FRCVCKAGFA